The following is an entry in ClinVar:

ClinVar aggregate classification (germline): Uncertain significance (1 of 4 stars; one submission).

Allele frequency attached by ClinVar (database versions not stated): gnomAD exomes below 0.00001 and 0.00001.

Submission:

Labcorp Genetics (formerly Invitae), Labcorp
Classification: Uncertain significance. Last evaluated: 2022-07-12. Review status: criteria provided, single submitter. Criteria: Invitae Variant Classification Sherloc (09022015). Collection method: clinical testing. Allele origin: germline.
Comment: This sequence change replaces cysteine, which is neutral and slightly polar, with tyrosine, which is neutral and polar, at codon 50 of the NR2E3 protein (p.Cys50Tyr). This variant is present in population databases (no rsID available, gnomAD 0.008%). This variant has not been reported in the literature in individuals affected with NR2E3-related conditions. ClinVar contains an entry for this variant (Variation ID: 1053148). Experimental studies and prediction algorithms are not available or were not evaluated, and the functional significance of this variant is currently unknown. In summary, the available evidence is currently insufficient to determine the role of this variant in disease. Therefore, it has been classified as a Variant of Uncertain Significance.

NM_014249.4(NR2E3):c.149G>A (p.Cys50Tyr)

Gene: NR2E3 (nuclear receptor subfamily 2 group E member 3; plus strand). Cytogenetic location: 15q23.
Variant type: single nucleotide variant.
Coding change: c.149G>A on transcript NM_014249.4 (MANE Select); coding-DNA position 149, G replaced by A.
Protein change: p.Cys50Tyr; replaces cysteine 50 with tyrosine.
Molecular consequence: missense variant.
Genome position (GRCh38, 1-based): chr15:71,811,513, G>A. VCF-style: chr15-71811513-G-A. GRCh37 (hg19) VCF-style: chr15-72103853-G-A.
Other names: c.149G>A, p.Cys50Tyr (NM_016346.4); short protein forms C50Y.
Identifiers: ClinVar variation 1053148 (VCV001053148.7), dbSNP rs1408864823, ClinGen allele CA393031989.
Genomic context (GRCh38, chr15:71,811,513, plus strand): 5'-CCTGGCCCAGCCCTGCCCCCTGCCCCTCAGGCGTGAGCCCCTCGCTCCAGTGCCGCGTGT[G>A]CGGAGACAGCAGCAGCGGGAAGCACTATGGCATCTATGCCTGCAACGGCTGCAGCGGCTT-3'
Protein context (NP_055064.1, residues 40-60): GVSPSLQCRV[Cys50Tyr]GDSSSGKHYG